The following is an entry in ClinVar:

ClinVar aggregate classification (germline): Uncertain significance. Review status: criteria provided, multiple submitters, no conflicts (2 of 4 stars). 2 submissions from 2 submitters: Uncertain significance (2). Last evaluated 2026-04-07.

Conditions:
Cardiovascular phenotype. Identifiers: MedGen CN230736.
DiGeorge syndrome. Also called: Catch22; THIRD AND FOURTH PHARYNGEAL POUCH SYNDROME. Identifiers: Orphanet 567, MedGen C0012236, MONDO:0008564, OMIM 188400.

Allele frequency attached by ClinVar (database versions not stated): TOPMed 0.00002.

Submissions (2):

Ambry Genetics
Classification: Uncertain significance for Cardiovascular phenotype. Last evaluated: 2026-04-07. Review status: criteria provided, single submitter. Criteria: Ambry Variant Classification Scheme 2023. Collection method: clinical testing. Allele origin: germline.
Comment: The p.G25A variant (also known as c.74G>C), located in coding exon 2 of the TBX1 gene, results from a G to C substitution at nucleotide position 74. The glycine at codon 25 is replaced by alanine, an amino acid with similar properties. This amino acid position is highly conserved in available vertebrate species. In addition, this alteration is predicted to be tolerated by in silico analysis. Based on the available evidence, the clinical significance of this variant remains unclear.

Labcorp Genetics (formerly Invitae), Labcorp
Classification: Uncertain significance for DiGeorge syndrome. Last evaluated: 2020-07-20. Review status: criteria provided, single submitter. Criteria: Invitae Variant Classification Sherloc (09022015). Collection method: clinical testing. Allele origin: germline.
Comment: This sequence change replaces glycine with alanine at codon 25 of the TBX1 protein (p.Gly25Ala). The glycine residue is weakly conserved and there is a small physicochemical difference between glycine and alanine. The frequency data for this variant in the population databases is considered unreliable, as metrics indicate insufficient coverage at this position in the ExAC database. This variant has not been reported in the literature in individuals with TBX1-related conditions. Algorithms developed to predict the effect of missense changes on protein structure and function are either unavailable or do not agree on the potential impact of this missense change (SIFT: "Tolerated"; PolyPhen-2: "Not Available"; Align-GVGD: "Class C0"). In summary, the available evidence is currently insufficient to determine the role of this variant in disease. Therefore, it has been classified as a Variant of Uncertain Significance.

NM_001379200.1(TBX1):c.101G>C (p.Gly34Ala)

Gene: TBX1 (T-box transcription factor 1; plus strand). Cytogenetic location: 22q11.21.
Variant type: single nucleotide variant.
Coding change: c.101G>C on transcript NM_001379200.1 (MANE Select); coding-DNA position 101, G replaced by C.
Protein change: p.Gly34Ala; replaces glycine 34 with alanine.
Molecular consequence: missense variant.
Genome position (GRCh38, 1-based): chr22:19,760,944, G>C. VCF-style: chr22-19760944-G-C. GRCh37 (hg19) VCF-style: chr22-19748467-G-C.
Other names: c.74G>C, p.Gly25Ala (NM_005992.1, NM_080646.2, NM_080647.1); short protein forms G25A, G34A.
Identifiers: ClinVar variation 1013764 (VCV001013764.9), dbSNP rs1335862067, ClinGen allele CA410681154.